The following is an entry in ClinVar:

NM_001080467.3(MYO5B):c.4611+2T>C

Genes: MYO5B (myosin VB; minus strand), SNHG22 (small nucleolar RNA host gene 22; plus strand). Cytogenetic location: 18q21.1.
Variant type: single nucleotide variant.
Coding change: c.4611+2T>C on transcript NM_001080467.3 (MANE Select); the canonical splice donor site of the intron after coding-DNA position 4611, T replaced by C.
Molecular consequence: splice donor variant.
Genome position (GRCh38, 1-based): chr18:49,843,239, A>G on the plus strand (T>C on the coding strand, the complement: MYO5B is on the minus strand). VCF-style: chr18-49843239-A-G. GRCh37 (hg19) VCF-style: chr18-47369609-A-G.
Identifiers: ClinVar variation 632299 (VCV000632299.15), dbSNP rs757745239, ClinGen allele CA8960297.

ClinVar aggregate classification (germline): Likely pathogenic. Review status: criteria provided, multiple submitters, no conflicts (2 of 4 stars). 3 submissions from 3 submitters: Likely pathogenic (3). Last evaluated 2024-11-04.

Conditions:
Congenital microvillous atrophy (DIAR2). Also called: Microvillus inclusion disease; CONGENITAL FAMILIAL PROTRACTED DIARRHEA WITH ENTEROCYTE BRUSH-BORDER ABNORMALITIES; DAVIDSON DISEASE; Diarrhea 2 with microvillus atrophy, with or without cholestasis; MICROVILLUS ATROPHY, CONGENITAL. Identifiers: Orphanet 2290, MedGen C0341306, MONDO:0009635, OMIM 251850.
Cholestasis, progressive familial intrahepatic, 10 (PFIC10). Identifiers: MedGen C5676981, MONDO:0030810, OMIM 619868.
MYO5B-related disorder. Also called: MYO5B-related condition.

Allele frequency attached by ClinVar (database versions not stated): gnomAD 0.00001; gnomAD exomes 0.00001 and 0.00002; ExAC 0.00002; TOPMed 0.00002.
gnomAD v4.1: 14 of 1,613,784 alleles (0.00087%); highest among the groups gnomAD compares: East Asian, 0.029%; no homozygotes.

Submissions (3):

PreventionGenetics, part of Exact Sciences
Classification: Likely pathogenic for MYO5B-related condition. Last evaluated: 2024-11-04. Review status: criteria provided, single submitter. Criteria: ACMG Guidelines, 2015. Collection method: clinical testing. Allele origin: germline.
Comment: The MYO5B c.4611+2T>C variant is predicted to disrupt the GT donor site and interfere with normal splicing. To our knowledge, this variant has not been reported in the literature. This variant is reported in 0.022% of alleles in individuals of East Asian descent in gnomAD. Variants that disrupt the consensus splice donor site in MYO5B are expected to be pathogenic. This variant is interpreted as likely pathogenic.

Labcorp Genetics (formerly Invitae), Labcorp
Classification: Likely pathogenic. Last evaluated: 2024-04-04. Review status: criteria provided, single submitter. Criteria: Invitae Variant Classification Sherloc (09022015). Collection method: clinical testing. Allele origin: germline.
Comment: This sequence change affects a donor splice site in intron 34 of the MYO5B gene. It is expected to disrupt RNA splicing. Variants that disrupt the donor or acceptor splice site typically lead to a loss of protein function (PMID: 16199547), and loss-of-function variants in MYO5B are known to be pathogenic (PMID: 18724368, 20186687). This variant is present in population databases (rs757745239, gnomAD 0.02%). This variant has not been reported in the literature in individuals affected with MYO5B-related conditions. ClinVar contains an entry for this variant (Variation ID: 632299). Algorithms developed to predict the effect of sequence changes on RNA splicing suggest that this variant may disrupt the consensus splice site. In summary, the currently available evidence indicates that the variant is pathogenic, but additional data are needed to prove that conclusively. Therefore, this variant has been classified as Likely Pathogenic.

Juno Genomics, Hangzhou Juno Genomics, Inc
Classification: Likely pathogenic for Cholestasis, progressive familial intrahepatic, 10; Congenital microvillous atrophy. Review status: criteria provided, single submitter. Criteria: ACMG Guidelines, 2015. Collection method: clinical testing. Allele origin: germline.
Comment: Absent from controls (or at extremely low frequency if recessive) in Genome Aggregation Database.;Null variant in a gene where loss of function (LOF) is a known mechanism of disease.

Literature cited by the submitters: PubMed 16199547 (cited by Labcorp Genetics (formerly Invitae), Labcorp); PubMed 18724368 (cited by Labcorp Genetics (formerly Invitae), Labcorp); PubMed 20186687 (cited by Labcorp Genetics (formerly Invitae), Labcorp).